The following is an entry in ClinVar:

ClinVar aggregate classification (germline): Uncertain significance. Review status: criteria provided, multiple submitters, no conflicts (2 of 4 stars). 3 submissions from 3 submitters: Uncertain significance (3). Last evaluated 2024-12-04.

Conditions:
Inborn genetic diseases. Identifiers: MedGen C0950123, MeSH D030342.

gnomAD v4.1: 37 of 1,598,432 alleles (0.0023%); highest among the groups gnomAD compares: Non-Finnish European, 0.0031%; no homozygotes.

Submissions (3):

GeneDx
Classification: Uncertain significance. Last evaluated: 2024-12-04. Review status: criteria provided, single submitter. Criteria: GeneDx Variant Classification Process June 2021. Collection method: clinical testing. Allele origin: germline. Affected: yes.
Comment: Not observed at significant frequency in large population cohorts (gnomAD); In silico analysis indicates that this missense variant does not alter protein structure/function; Has not been previously published as pathogenic or benign to our knowledge

Labcorp Genetics (formerly Invitae), Labcorp
Classification: Uncertain significance. Last evaluated: 2022-08-07. Review status: criteria provided, single submitter. Criteria: Invitae Variant Classification Sherloc (09022015). Collection method: clinical testing. Allele origin: germline.
Comment: This sequence change replaces arginine, which is basic and polar, with leucine, which is neutral and non-polar, at codon 223 of the MME protein (p.Arg223Leu). This variant is present in population databases (rs41267905, gnomAD 0.002%). This variant has not been reported in the literature in individuals affected with MME-related conditions. ClinVar contains an entry for this variant (Variation ID: 1430669). Algorithms developed to predict the effect of missense changes on protein structure and function (SIFT, PolyPhen-2, Align-GVGD) all suggest that this variant is likely to be tolerated. In summary, the available evidence is currently insufficient to determine the role of this variant in disease. Therefore, it has been classified as a Variant of Uncertain Significance.

Ambry Genetics
Classification: Uncertain significance for Inborn genetic diseases. Last evaluated: 2022-02-10. Review status: criteria provided, single submitter. Criteria: Ambry Variant Classification Scheme 2023. Collection method: clinical testing. Allele origin: germline.

NM_007289.4(MME):c.668G>T (p.Arg223Leu)

Gene: MME (membrane metalloendopeptidase; plus strand). Cytogenetic location: 3q25.2.
Variant type: single nucleotide variant.
Coding change: c.668G>T on transcript NM_007289.4 (MANE Select); coding-DNA position 668, G replaced by T.
Protein change: p.Arg223Leu; replaces arginine 223 with leucine.
Molecular consequence: missense variant.
Genome position (GRCh38, 1-based): chr3:155,118,759, G>T. VCF-style: chr3-155118759-G-T. GRCh37 (hg19) VCF-style: chr3-154836548-G-T.
Other names: c.668G>T, p.Arg223Leu (NM_000902.5, NM_001354642.2, NM_001354643.1 and 2 more transcripts); c.668G>T (NM_007289.2); short protein forms R223L.
Identifiers: ClinVar variation 1430669 (VCV001430669.7), dbSNP rs41267905, ClinGen allele CA2675236.